The following is an entry in ClinVar:

ClinVar aggregate classification (germline): Uncertain significance. Review status: criteria provided, multiple submitters, no conflicts (2 of 4 stars). 3 submissions from 3 submitters: Uncertain significance (3). Last evaluated 2025-10-22.

Conditions:
Erythrokeratodermia variabilis et progressiva 6. Identifiers: MedGen C5193144, MONDO:0032801, OMIM 618531.
Progressive familial heart block type IB (PFHB1B). Identifiers: Orphanet 871, MedGen C1970298, MONDO:0011474, OMIM 604559.
Cardiovascular phenotype. Identifiers: MedGen CN230736.

Allele frequency attached by ClinVar (database versions not stated): gnomAD 0.00001; gnomAD exomes below 0.00001.
gnomAD v4.1: 2 of 1,613,996 alleles (0.00012%); highest among the groups gnomAD compares: Non-Finnish European, 0.00017%; no homozygotes.

Submissions (3):

Ambry Genetics
Classification: Uncertain significance for Cardiovascular phenotype. Last evaluated: 2025-10-22. Review status: criteria provided, single submitter. Criteria: Ambry Variant Classification Scheme 2023. Collection method: clinical testing. Allele origin: germline.
Comment: The p.Y968* variant (also known as c.2904C>G), located in coding exon 19 of the TRPM4 gene, results from a C to G substitution at nucleotide position 2904. This changes the amino acid from a tyrosine to a stop codon within coding exon 19. This alteration is expected to result in protein truncation or nonsense-mediated mRNA decay. However, loss of function has not been established as a mechanism of disease. Based on the available evidence, the clinical significance of this alteration remains unclear.

Labcorp Genetics (formerly Invitae), Labcorp
Classification: Uncertain significance for Progressive familial heart block type IB. Last evaluated: 2023-06-04. Review status: criteria provided, single submitter. Criteria: Invitae Variant Classification Sherloc (09022015). Collection method: clinical testing. Allele origin: germline.
Comment: In summary, the available evidence is currently insufficient to determine the role of this variant in disease. Therefore, it has been classified as a Variant of Uncertain Significance. ClinVar contains an entry for this variant (Variation ID: 566106). This variant has not been reported in the literature in individuals affected with TRPM4-related conditions. This variant is present in population databases (no rsID available, gnomAD 0.0009%). This sequence change creates a premature translational stop signal (p.Tyr968*) in the TRPM4 gene. It is expected to result in an absent or disrupted protein product. However, the current clinical and genetic evidence is not sufficient to establish whether loss-of-function variants in TRPM4 cause disease.

Fulgent Genetics
Classification: Uncertain significance for Progressive familial heart block type IB; Erythrokeratodermia variabilis et progressiva 6. Last evaluated: 2021-11-01. Review status: criteria provided, single submitter. Criteria: ACMG Guidelines, 2015. Collection method: clinical testing. Allele origin: unknown.

NM_017636.4(TRPM4):c.2904C>G (p.Tyr968Ter)

Gene: TRPM4 (transient receptor potential cation channel subfamily M member 4; plus strand). Cytogenetic location: 19q13.33.
Variant type: single nucleotide variant.
Coding change: c.2904C>G on transcript NM_017636.4 (MANE Select); coding-DNA position 2904, C replaced by G.
Protein change: p.Tyr968Ter; replaces tyrosine 968 with a stop codon.
Molecular consequence: nonsense.
Genome position (GRCh38, 1-based): chr19:49,200,736, C>G. VCF-style: chr19-49200736-C-G. GRCh37 (hg19) VCF-style: chr19-49703993-C-G.
Other names: c.2469C>G, p.Tyr823Ter (NM_001195227.2); c.2559C>G, p.Tyr853Ter (NM_001321281.2); c.1296C>G, p.Tyr432Ter (NM_001321282.2); c.2382C>G, p.Tyr794Ter (NM_001321283.2); c.1842C>G, p.Tyr614Ter (NM_001321285.2); short protein forms Y968*, Y853*, Y794*, Y823*, Y432*, Y614*.
Identifiers: ClinVar variation 566106 (VCV000566106.8), dbSNP rs1179368021, ClinGen allele CA406812099.
Genomic context (GRCh38, chr19:49,200,736, plus strand): 5'-GGAGGGGCTCCTGAGGCCACGGGACAGTGACTTCCCAAGTATCCTGCGCCGCGTCTTCTA[C>G]CGTCCCTACCTGCAGATCTTCGGGCAGATTCCCCAGGAGGACATGGACGGTAGGGGGGAT-3'